The following is an entry in ClinVar:

NM_006796.3(AFG3L2):c.47C>T (p.Pro16Leu)

Gene: AFG3L2 (AFG3 like matrix AAA peptidase subunit 2; minus strand). Cytogenetic location: 18p11.21.
Variant type: single nucleotide variant.
Coding change: c.47C>T on transcript NM_006796.3 (MANE Select); coding-DNA position 47, C replaced by T.
Protein change: p.Pro16Leu; replaces proline 16 with leucine.
Molecular consequence: missense variant.
Genome position (GRCh38, 1-based): chr18:12,377,036, G>A on the plus strand (C>T on the coding strand, the complement: AFG3L2 is on the minus strand). VCF-style: chr18-12377036-G-A. GRCh37 (hg19) VCF-style: chr18-12377035-G-A.
Other names: short protein forms P16L.
Identifiers: ClinVar variation 4883524 (VCV004883524.2).

ClinVar aggregate classification (germline): Uncertain significance (1 of 4 stars; one submission).

gnomAD v4.1: 8 of 1,440,714 alleles (0.00056%); highest among the groups gnomAD compares: Non-Finnish European, 0.00073%; no homozygotes.

Submission:

Dasa
Classification: Uncertain significance. Last evaluated: 2025-11-19. Review status: criteria provided, single submitter. Criteria: DASA Assertion Criteria. Collection method: clinical testing. Allele origin: germline.
Comment: NM_006796.3(AFG3L2):c.47C>T (p.Pro16Leu) is a missense variant that results in the substitution of proline with leucine. This variant is rare in population databases. The currently available literature and clinical evidence are not sufficient to establish a definitive association between this variant and the reported condition. Therefore, this variant is classified as a variant of uncertain significance.